The following is an entry in ClinVar:

NM_012452.3(TNFRSF13B):c.266G>A (p.Cys89Tyr)

Gene: TNFRSF13B (TNF receptor superfamily member 13B; minus strand). Cytogenetic location: 17p11.2.
Variant type: single nucleotide variant.
Coding change: c.266G>A on transcript NM_012452.3 (MANE Select); coding-DNA position 266, G replaced by A.
Protein change: p.Cys89Tyr; replaces cysteine 89 with tyrosine.
Molecular consequence: missense variant.
Genome position (GRCh38, 1-based): chr17:16,948,917, C>T on the plus strand (G>A on the coding strand, the complement: TNFRSF13B is on the minus strand). VCF-style: chr17-16948917-C-T. GRCh37 (hg19) VCF-style: chr17-16852231-C-T.
Other names: short protein forms C89Y.
Identifiers: ClinVar variation 1694830 (VCV001694830.33), dbSNP rs746779126, ClinGen allele CA8414056.

ClinVar aggregate classification (germline): Uncertain significance. Review status: criteria provided, multiple submitters, no conflicts (2 of 4 stars). 2 submissions from 2 submitters: Uncertain significance (2). Last evaluated 2022-05-01.

Conditions:
Immunodeficiency, common variable, 2 (CVID2). Also called: ANTIBODY DEFICIENCY DUE TO TACI DEFECT; HYPOGAMMAGLOBULINEMIA DUE TO TACI DEFICIENCY. Identifiers: Orphanet 1572, MedGen C3150354, MONDO:0009413, OMIM 240500.

Allele frequency attached by ClinVar (database versions not stated): ExAC 0.00001; gnomAD 0.00001; gnomAD exomes 0.00001; TOPMed 0.00002.
gnomAD v4.1: 30 of 1,614,104 alleles (0.0019%); highest among the groups gnomAD compares: Non-Finnish European, 0.0025%; no homozygotes.

Submissions (2):

CeGaT Center for Human Genetics Tuebingen
Classification: Uncertain significance. Last evaluated: 2022-05-01. Review status: criteria provided, single submitter. Criteria: CeGaT Center For Human Genetics Tuebingen Variant Classification Criteria Version 2. Collection method: clinical testing. Allele origin: germline. Affected: yes. Observed: 1 variant allele.
Comment: TNFRSF13B: PM1, PM2

Labcorp Genetics (formerly Invitae), Labcorp
Classification: Uncertain significance for Immunodeficiency, common variable, 2. Last evaluated: 2022-02-22. Review status: criteria provided, single submitter. Criteria: Invitae Variant Classification Sherloc (09022015). Collection method: clinical testing. Allele origin: germline.
Comment: This sequence change replaces cysteine, which is neutral and slightly polar, with tyrosine, which is neutral and polar, at codon 89 of the TNFRSF13B protein (p.Cys89Tyr). This variant is present in population databases (rs746779126, gnomAD 0.002%). This missense change has been observed in individual(s) with common variable immunodeficiency (PMID: 19779048). Algorithms developed to predict the effect of missense changes on protein structure and function (SIFT, PolyPhen-2, Align-GVGD) all suggest that this variant is likely to be disruptive. In summary, the available evidence is currently insufficient to determine the role of this variant in disease. Therefore, it has been classified as a Variant of Uncertain Significance.

Literature cited by the submitters: PubMed 19779048 (cited by Labcorp Genetics (formerly Invitae), Labcorp).